The following is an entry in ClinVar:

ClinVar aggregate classification (germline): Uncertain significance. Review status: criteria provided, multiple submitters, no conflicts (2 of 4 stars). 4 submissions from 4 submitters: Uncertain significance (3). 1 of the submissions does not count toward it. Last evaluated 2022-07-12.

Conditions:
Walker-Warburg congenital muscular dystrophy. Also called: Muscular dystrophy-dystroglycanopathy, type A; Walker-Warburg syndrome. Identifiers: Orphanet 899, MedGen C0265221, MONDO:0000171.
Autosomal recessive limb-girdle muscular dystrophy type 2I. Also called: MUSCULAR DYSTROPHY-DYSTROGLYCANOPATHY (LIMB-GIRDLE), TYPE C, 5; MUSCULAR DYSTROPHY, LIMB-GIRDLE, TYPE 2I; MUSCULAR DYSTROPHY-DYSTROGLYCANOPATHY, LIMB-GIRDLE, FRKP-RELATED. Identifiers: Orphanet 34515, MedGen C1846672, MONDO:0011787, OMIM 607155.

Allele frequency attached by ClinVar (database versions not stated): gnomAD 0.00001; TOPMed below 0.00001.

Submissions (4):

Revvity Omics, Revvity
Classification: Uncertain significance. Last evaluated: 2022-07-12. Review status: criteria provided, single submitter. Criteria: ACMG Guidelines, 2015. Collection method: clinical testing. Allele origin: germline.

Labcorp Genetics (formerly Invitae), Labcorp
Classification: Uncertain significance for Walker-Warburg congenital muscular dystrophy. Last evaluated: 2022-02-04. Review status: criteria provided, single submitter. Criteria: Invitae Variant Classification Sherloc (09022015). Collection method: clinical testing. Allele origin: germline.
Comment: This variant, c.982_984del, results in the deletion of 1 amino acid(s) of the FKRP protein (p.Tyr328del), but otherwise preserves the integrity of the reading frame. This variant is present in population databases (no rsID available, gnomAD 0.01%). This variant has not been reported in the literature in individuals affected with FKRP-related conditions. ClinVar contains an entry for this variant (Variation ID: 286718). Experimental studies and prediction algorithms are not available or were not evaluated, and the functional significance of this variant is currently unknown. In summary, the available evidence is currently insufficient to determine the role of this variant in disease. Therefore, it has been classified as a Variant of Uncertain Significance.

Eurofins Ntd Llc (ga)
Classification: Uncertain significance. Last evaluated: 2016-03-17. Review status: criteria provided, single submitter. Criteria: EGL Classification Definitions 2015. Collection method: clinical testing. Allele origin: germline. Observed: 1 variant allele, 1 heterozygote.

Natera, Inc.
Classification: Uncertain significance for Limb-girdle muscular dystrophy type 2I. Last evaluated: 2021-08-02. Review status: no assertion criteria provided. Collection method: clinical testing. Allele origin: germline. Not counted in ClinVar's aggregate classification.

NM_024301.5(FKRP):c.982_984del (p.Tyr328del)

Gene: FKRP (fukutin related protein; plus strand). Cytogenetic location: 19q13.32.
Variant type: Deletion.
Coding change: c.982_984del on transcript NM_024301.5 (MANE Select); coding-DNA positions 982 to 984, 3 bases deleted (TAT; older notation c.982_984delTAT).
Protein change: p.Tyr328del; deletes tyrosine 328.
Molecular consequence: inframe deletion.
Genome position (GRCh38, 1-based): chr19:46,756,432-46,756,434, TAT deleted. VCF-style (leftmost placement, unchanged base first): chr19-46756431-CTAT-C. GRCh37 (hg19) VCF-style: chr19-47259688-CTAT-C.
Other names: c.982_984del, p.Tyr328del (NM_001039885.3); short protein forms Y328del.
Identifiers: ClinVar variation 286718 (VCV000286718.12), dbSNP rs886043458, ClinGen allele CA10605545.